The following is an entry in ClinVar:

ClinVar aggregate classification (germline): Pathogenic. Review status: criteria provided, multiple submitters, no conflicts (2 of 4 stars). 2 submissions from 2 submitters: Pathogenic (2). Last evaluated 2024-11-24.

Conditions:
Tuberous sclerosis 2 (TSC2). Identifiers: Orphanet 805, MedGen C1860707, MONDO:0013199, OMIM 613254.

Submissions (2):

GeneDx
Classification: Pathogenic. Last evaluated: 2024-11-24. Review status: criteria provided, single submitter. Criteria: GeneDx Variant Classification Process June 2021. Collection method: clinical testing. Allele origin: germline. Affected: yes.
Comment: Canonical splice site variant predicted to result in a null allele in a gene for which loss of function is a known mechanism of disease; Not observed at significant frequency in large population cohorts (gnomAD); Also known as IVS21+1G>A; This variant is associated with the following publications: (PMID: 32211034, 32461669, 35918040, Dufner-Almeida2024[casereport])

Labcorp Genetics (formerly Invitae), Labcorp
Classification: Pathogenic for Tuberous sclerosis 2. Last evaluated: 2023-06-06. Review status: criteria provided, single submitter. Criteria: Invitae Variant Classification Sherloc (09022015). Collection method: clinical testing. Allele origin: germline.
Comment: For these reasons, this variant has been classified as Pathogenic. Algorithms developed to predict the effect of sequence changes on RNA splicing suggest that this variant may disrupt the consensus splice site. Disruption of this splice site has been observed in individual(s) with tuberous sclerosis complex (PMID: 32461669). This variant is not present in population databases (gnomAD no frequency). This sequence change affects a donor splice site in intron 22 of the TSC2 gene. It is expected to disrupt RNA splicing. Variants that disrupt the donor or acceptor splice site typically lead to a loss of protein function (PMID: 16199547), and loss-of-function variants in TSC2 are known to be pathogenic (PMID: 10205261, 17304050).

Literature cited by the submitters: PubMed 32461669 (cited by Labcorp Genetics (formerly Invitae), Labcorp); PubMed 16199547 (cited by Labcorp Genetics (formerly Invitae), Labcorp); PubMed 10205261 (cited by Labcorp Genetics (formerly Invitae), Labcorp); PubMed 17304050 (cited by Labcorp Genetics (formerly Invitae), Labcorp).

NM_000548.5(TSC2):c.2545+1G>A

Gene: TSC2 (TSC complex subunit 2; plus strand). Cytogenetic location: 16p13.3.
Variant type: single nucleotide variant.
Coding change: c.2545+1G>A on transcript NM_000548.5 (MANE Select); the canonical splice donor site of the intron after coding-DNA position 2545, G replaced by A.
Molecular consequence: splice donor variant.
Genome position (GRCh38, 1-based): chr16:2,074,390, G>A. VCF-style: chr16-2074390-G-A. GRCh37 (hg19) VCF-style: chr16-2124391-G-A.
Other names: c.1201+1G>A (NM_001406693.1, NM_001406689.1, NM_001406690.1 and 6 more transcripts); c.2635+1G>A (NM_001406667.1, NM_001406668.1); c.1945+1G>A (NM_001406680.1, NM_001406683.1, NM_001406687.1 and 6 more transcripts); c.943+1G>A (NM_001406698.1); c.2545+1G>A (NM_001114382.3, NM_001406663.1, NM_001406664.1 and 6 more transcripts); c.2533+1G>A (NM_001406671.1, NM_001406673.1); c.2083+1G>A (NM_001406681.1); c.2434+1G>A (NM_001406670.1, NM_001318827.2, NM_001406678.1); and 3 more.
Identifiers: ClinVar variation 2780314 (VCV002780314.4), dbSNP rs2151356819, ClinGen allele CA394278052.